The following is an entry in ClinVar:

NM_006939.4(SOS2):c.3571G>T (p.Val1191Phe)

Gene: SOS2 (SOS Ras/Rho guanine nucleotide exchange factor 2; minus strand). Cytogenetic location: 14q21.3.
Variant type: single nucleotide variant.
Coding change: c.3571G>T on transcript NM_006939.4 (MANE Select); coding-DNA position 3571, G replaced by T.
Protein change: p.Val1191Phe; replaces valine 1191 with phenylalanine.
Molecular consequence: missense variant.
Genome position (GRCh38, 1-based): chr14:50,118,772, C>A on the plus strand (G>T on the coding strand, the complement: SOS2 is on the minus strand). VCF-style: chr14-50118772-C-A. GRCh37 (hg19) VCF-style: chr14-50585490-C-A.
Other names: short protein forms V1191F.
Identifiers: ClinVar variation 1365480 (VCV001365480.8), dbSNP rs934357386, ClinGen allele CA389638644.

ClinVar aggregate classification (germline): Uncertain significance (1 of 4 stars; one submission).

Conditions:
Noonan syndrome 9 (NS9). Identifiers: Orphanet 648, MedGen C4225282, MONDO:0014691, OMIM 616559.

gnomAD v4.1: 1 of 1,590,322 alleles (0.000063%); no homozygotes.

Submission:

Labcorp Genetics (formerly Invitae), Labcorp
Classification: Uncertain significance for Noonan syndrome 9. Last evaluated: 2021-07-03. Review status: criteria provided, single submitter. Criteria: Invitae Variant Classification Sherloc (09022015). Collection method: clinical testing. Allele origin: germline.
Comment: This sequence change replaces valine with phenylalanine at codon 1191 of the SOS2 protein (p.Val1191Phe). The valine residue is weakly conserved and there is a small physicochemical difference between valine and phenylalanine. This variant is not present in population databases (ExAC no frequency). This variant has not been reported in the literature in individuals affected with SOS2-related conditions. Advanced modeling of protein sequence and biophysical properties (such as structural, functional, and spatial information, amino acid conservation, physicochemical variation, residue mobility, and thermodynamic stability) performed at Invitae indicates that this missense variant is not expected to disrupt SOS2 protein function. In summary, the available evidence is currently insufficient to determine the role of this variant in disease. Therefore, it has been classified as a Variant of Uncertain Significance.